The following is an entry in ClinVar:

ClinVar aggregate classification (germline): Pathogenic/Likely pathogenic. Review status: criteria provided, multiple submitters, no conflicts (2 of 4 stars). 3 submissions from 3 submitters: Pathogenic (1); Likely pathogenic (2). Last evaluated 2024-01-23.

Conditions:
Charlevoix-Saguenay spastic ataxia (SACS). Also called: Spastic ataxia of Charlevoix-Saguenay; AUTOSOMAL RECESSIVE SPASTIC ATAXIA OF CHARLEVOIX-SAGUENAY; SPASTIC ATAXIA 6, AUTOSOMAL RECESSIVE. Identifiers: Orphanet 98, MedGen C1849140, MONDO:0010041, OMIM 270550.
Spastic paraplegia. Identifiers: MedGen C0037772, HP:0001258.

Submissions (3):

Fulgent Genetics
Classification: Likely pathogenic for Charlevoix-Saguenay spastic ataxia. Last evaluated: 2024-01-23. Review status: criteria provided, single submitter. Criteria: ACMG Guidelines, 2015. Collection method: clinical testing. Allele origin: germline.

Labcorp Genetics (formerly Invitae), Labcorp
Classification: Pathogenic for Spastic paraplegia. Last evaluated: 2023-10-18. Review status: criteria provided, single submitter. Criteria: Invitae Variant Classification Sherloc (09022015). Collection method: clinical testing. Allele origin: germline.
Comment: This sequence change creates a premature translational stop signal (p.Lys1802Serfs*11) in the SACS gene. While this is not anticipated to result in nonsense mediated decay, it is expected to disrupt the last 2778 amino acid(s) of the SACS protein. This variant is not present in population databases (gnomAD no frequency). This variant has not been reported in the literature in individuals affected with SACS-related conditions. This variant disrupts a region of the SACS protein in which other variant(s) (p.Gln4054*) have been determined to be pathogenic (PMID: 18465152, 27288452). This suggests that this is a clinically significant region of the protein, and that variants that disrupt it are likely to be disease-causing. For these reasons, this variant has been classified as Pathogenic.

Baylor Genetics
Classification: Likely pathogenic for Charlevoix-Saguenay spastic ataxia. Last evaluated: 2023-09-11. Review status: criteria provided, single submitter. Criteria: ACMG Guidelines, 2015. Collection method: clinical testing. Allele origin: unknown.

Literature cited by the submitters: PubMed 18465152 (cited by Labcorp Genetics (formerly Invitae), Labcorp); PubMed 27288452 (cited by Labcorp Genetics (formerly Invitae), Labcorp).

NM_014363.6(SACS):c.5405_5408del (p.Lys1802fs)

Gene: SACS (sacsin molecular chaperone; minus strand). Cytogenetic location: 13q12.12.
Variant type: Deletion.
Coding change: c.5405_5408del on transcript NM_014363.6 (MANE Select); coding-DNA positions 5405 to 5408, 4 bases deleted (AAAA; older notation c.5405_5408delAAAA).
Protein change: p.Lys1802fs; shifts the reading frame from lysine 1802.
Molecular consequence: frameshift variant.
Genome position (GRCh38, 1-based): chr13:23,338,468-23,338,471, TTTT deleted on the plus strand (AAAA on the coding strand, the reverse complement: SACS is on the minus strand); deleting any 4 consecutive bases within chr13:23,338,468-23,338,473 gives the same sequence; the c. name uses the placement nearest the transcript's 3' end. VCF-style (leftmost placement, unchanged base first): chr13-23338467-CTTTT-C. GRCh37 (hg19) VCF-style: chr13-23912606-CTTTT-C.
Other names: c.4964_4967del, p.Lys1655fs (NM_001278055.2); short protein forms K1655fs, K1802fs.
Identifiers: ClinVar variation 2678508 (VCV002678508.5), dbSNP rs1318561870, ClinGen allele CA696637031.